The following is an entry in ClinVar:

NM_001257291.2(SLC9A7):c.634C>G (p.Leu212Val)

Gene: SLC9A7 (solute carrier family 9 member A7; minus strand). Cytogenetic location: Xp11.3.
Variant type: single nucleotide variant.
Coding change: c.634C>G on transcript NM_001257291.2 (MANE Select); coding-DNA position 634, C replaced by G.
Protein change: p.Leu212Val; replaces leucine 212 with valine.
Molecular consequence: missense variant.
Genome position (GRCh38, 1-based): chrX:46,672,597, G>C on the plus strand (C>G on the coding strand, the complement: SLC9A7 is on the minus strand). VCF-style: chrX-46672597-G-C. GRCh37 (hg19) VCF-style: chrX-46532032-G-C.
Other names: c.634C>G, p.Leu212Val (NM_032591.3); short protein forms L212V.
Identifiers: ClinVar variation 1896540 (VCV001896540.5), dbSNP rs2519593951, ClinGen allele CA413033246.

ClinVar aggregate classification (germline): Uncertain significance (1 of 4 stars; one submission).

gnomAD v4.1: 1 of 1,205,081 alleles (0.000083%); no homozygotes.

Submission:

Labcorp Genetics (formerly Invitae), Labcorp
Classification: Uncertain significance. Last evaluated: 2022-05-19. Review status: criteria provided, single submitter. Criteria: Invitae Variant Classification Sherloc (09022015). Collection method: clinical testing. Allele origin: germline.
Comment: This sequence change replaces leucine, which is neutral and non-polar, with valine, which is neutral and non-polar, at codon 212 of the SLC9A7 protein (p.Leu212Val). This variant is not present in population databases (gnomAD no frequency). This variant has not been reported in the literature in individuals affected with SLC9A7-related conditions. Algorithms developed to predict the effect of missense changes on protein structure and function are either unavailable or do not agree on the potential impact of this missense change (SIFT: "Deleterious"; PolyPhen-2: "Not Available"; Align-GVGD: "Class C0"). In summary, the available evidence is currently insufficient to determine the role of this variant in disease. Therefore, it has been classified as a Variant of Uncertain Significance.